The following is an entry in ClinVar:

NM_012310.5(KIF4A):c.823A>G (p.Ser275Gly)

Gene: KIF4A (kinesin family member 4A; plus strand). Cytogenetic location: Xq13.1.
Variant type: single nucleotide variant.
Coding change: c.823A>G on transcript NM_012310.5 (MANE Select); coding-DNA position 823, A replaced by G.
Protein change: p.Ser275Gly; replaces serine 275 with glycine.
Molecular consequence: missense variant.
Genome position (GRCh38, 1-based): chrX:70,329,449, A>G. VCF-style: chrX-70329449-A-G. GRCh37 (hg19) VCF-style: chrX-69549299-A-G.
Other names: c.823A>G (NM_012310.4); short protein forms S275G.
Identifiers: ClinVar variation 3251259 (VCV003251259.2), dbSNP rs1164009052.

ClinVar aggregate classification (germline): Uncertain significance. Review status: criteria provided, multiple submitters, no conflicts (2 of 4 stars). 2 submissions from 2 submitters: Uncertain significance (2). Last evaluated 2024-07-27.

gnomAD v4.1: 5 of 1,211,404 alleles (0.00041%); highest among the groups gnomAD compares: Non-Finnish European, 0.00056%; no homozygotes.

Submissions (2):

Ambry Genetics
Classification: Uncertain significance. Last evaluated: 2024-07-27. Review status: criteria provided, single submitter. Criteria: Ambry Variant Classification Scheme 2023. Collection method: clinical testing. Allele origin: germline.

Women's Health and Genetics/Laboratory Corporation of America, LabCorp
Classification: Uncertain significance. Last evaluated: 2024-04-16. Review status: criteria provided, single submitter. Criteria: LabCorp Variant Classification Summary - May 2015. Collection method: clinical testing. Allele origin: germline.
Comment: Variant summary: KIF4A c.823A>G (p.Ser275Gly) results in a non-conservative amino acid change located in the kinesin motor domain (IPR001752) of the encoded protein sequence. Five of five in-silico tools predict a damaging effect of the variant on protein function. The variant allele was found at a frequency of 5.5e-06 in 183208 control chromosomes. The available data on variant occurrences in the general population are insufficient to allow any conclusion about variant significance. To our knowledge, no occurrence of c.823A>G in individuals affected with Intellectual Disability, X-Linked 100 and no experimental evidence demonstrating its impact on protein function have been reported. No submitters have cited clinical-significance assessments for this variant to ClinVar. Based on the evidence outlined above, the variant was classified as uncertain significance.